The following is an entry in ClinVar:

NM_001379500.1(COL18A1):c.1549G>A (p.Gly517Arg)

Gene: COL18A1 (collagen type XVIII alpha 1 chain; plus strand). Cytogenetic location: 21q22.3.
Variant type: single nucleotide variant.
Coding change: c.1549G>A on transcript NM_001379500.1 (MANE Select); coding-DNA position 1549, G replaced by A.
Protein change: p.Gly517Arg; replaces glycine 517 with arginine.
Molecular consequence: missense variant.
Genome position (GRCh38, 1-based): chr21:45,480,796, G>A. VCF-style: chr21-45480796-G-A. GRCh37 (hg19) VCF-style: chr21-46900710-G-A.
Other names: c.2089G>A, p.Gly697Arg (NM_030582.4); c.2794G>A, p.Gly932Arg (NM_130444.3); short protein forms G697R, G932R, G517R.
Identifiers: ClinVar variation 1358903 (VCV001358903.3), dbSNP rs368600244, ClinGen allele CA10066385.
Genomic context (GRCh38, chr21:45,480,796, plus strand): 5'-GGTGTCCCAGGCCTGCCCGGCGAGCCAGGCCGCTTTGGGGTGAACAGCTCCGACGTCCCA[G>A]GACCCGCCGGCCTTCCTGGTGTGCCTGGGCGCGAGGGTCCCCCCGGGTTTCCTGGCCTCC-3'
Protein context (NP_001366429.1, residues 507-527): RFGVNSSDVP[Gly517Arg]PAGLPGVPGR

ClinVar aggregate classification (germline): Uncertain significance (1 of 4 stars; one submission).

Allele frequency attached by ClinVar (database versions not stated): ExAC 0.00005; gnomAD 0.00005 and 0.00006; gnomAD exomes 0.00005 and 0.00016; ESP Exome Variant Server 0.00008; TOPMed 0.00008.
gnomAD v4.1: 250 of 1,611,438 alleles (0.016%); highest among the groups gnomAD compares: Non-Finnish European, 0.02%; no homozygotes.

Submission:

Labcorp Genetics (formerly Invitae), Labcorp
Classification: Uncertain significance. Last evaluated: 2022-10-05. Review status: criteria provided, single submitter. Criteria: Invitae Variant Classification Sherloc (09022015). Collection method: clinical testing. Allele origin: germline.
Comment: This sequence change replaces glycine, which is neutral and non-polar, with arginine, which is basic and polar, at codon 517 of the COL18A1 protein (p.Gly517Arg). This variant is present in population databases (rs368600244, gnomAD 0.01%). This variant has not been reported in the literature in individuals affected with COL18A1-related conditions. ClinVar contains an entry for this variant (Variation ID: 1358903). Experimental studies and prediction algorithms are not available or were not evaluated, and the functional significance of this variant is currently unknown. In summary, the available evidence is currently insufficient to determine the role of this variant in disease. Therefore, it has been classified as a Variant of Uncertain Significance.